The following is an entry in ClinVar:

NM_001458.5(FLNC):c.2641+16_2642-28delinsCCTG

Gene: FLNC (filamin C; plus strand). Cytogenetic location: 7q32.1.
Variant type: Indel.
Coding change: c.2641+16_2642-28delinsCCTG on transcript NM_001458.5 (MANE Select); 16 bases into the intron after coding-DNA position 2641 through 28 bases into the intron before coding-DNA position 2642, the reference bases replaced by CCTG.
Molecular consequence: intron variant.
Genome position (GRCh38, 1-based): chr7:128,843,335-128,843,380, 46 bases replaced. GRCh37 (hg19): chr7:128,483,389-128,483,434.
Other names: c.2641+16_2642-28delinsCCTG (NM_001127487.2).
Identifiers: ClinVar variation 3755273 (VCV003755273.2).

ClinVar aggregate classification (germline): Uncertain significance (1 of 4 stars; one submission).

Conditions:
Distal myopathy with posterior leg and anterior hand involvement. Also called: WILLIAMS DISTAL MYOPATHY. Identifiers: Orphanet 63273, MedGen C3279722, MONDO:0013550, OMIM 614065.
Hypertrophic cardiomyopathy 26. Also called: Cardiomyopathy, familial hypertrophic, 26. Identifiers: Orphanet 75249, MedGen C4310749, MONDO:0014883, OMIM 617047.
Myofibrillar myopathy 5. Also called: Filaminopathy (type); FILAMINOPATHY, AUTOSOMAL DOMINANT. Identifiers: Orphanet 171445, MedGen C1836050, MONDO:0012289, OMIM 609524.

Submission:

Labcorp Genetics (formerly Invitae), Labcorp
Classification: Uncertain significance for Distal myopathy with posterior leg and anterior hand involvement; Myofibrillar myopathy 5; Hypertrophic cardiomyopathy 26. Last evaluated: 2024-03-13. Review status: criteria provided, single submitter. Criteria: Invitae Variant Classification Sherloc (09022015). Collection method: clinical testing. Allele origin: germline.
Comment: This sequence change falls in intron 17 of the FLNC gene. It does not directly change the encoded amino acid sequence of the FLNC protein. This variant is not present in population databases (gnomAD no frequency). This variant has not been reported in the literature in individuals affected with FLNC-related conditions. Experimental studies and prediction algorithms are not available or were not evaluated, and the effect of this variant on mRNA splicing is currently unknown. In summary, the available evidence is currently insufficient to determine the role of this variant in disease. Therefore, it has been classified as a Variant of Uncertain Significance.